The following is an entry in ClinVar:

NM_018943.3(TUBA8):c.897C>T (p.Asn299=)

Gene: TUBA8 (tubulin alpha 8; plus strand). Cytogenetic location: 22q11.21.
Variant type: single nucleotide variant.
Coding change: c.897C>T on transcript NM_018943.3 (MANE Select); coding-DNA position 897, C replaced by T.
Protein change: p.Asn299=; no amino-acid change (asparagine 299 retained).
Molecular consequence: synonymous variant.
Genome position (GRCh38, 1-based): chr22:18,126,875, C>T. VCF-style: chr22-18126875-C-T. GRCh37 (hg19) VCF-style: chr22-18609642-C-T.
Other names: p.N299N:AAC>AAT; p.Asn299=; c.699C>T, p.Asn233= (NM_001193414.2).
Identifiers: ClinVar variation 137852 (VCV000137852.15), dbSNP rs362203, ClinGen allele CA173773.

ClinVar aggregate classification (germline): Benign. Review status: criteria provided, multiple submitters, no conflicts (2 of 4 stars). 5 submissions from 5 submitters: Benign (4). 1 of the submissions does not count toward it. Last evaluated 2026-02-03.

Allele frequency attached by ClinVar (database versions not stated): ESP Exome Variant Server 0.03514; gnomAD 0.06940 and 0.06153; gnomAD exomes 0.11484; 1000 Genomes Project 30x 0.16162; 1000 Genomes Project 0.16474; TOPMed 0.07767; ExAC 0.10584.

Submissions (5):

Labcorp Genetics (formerly Invitae), Labcorp
Classification: Benign. Last evaluated: 2026-02-03. Review status: criteria provided, single submitter. Criteria: Invitae Variant Classification Sherloc (09022015). Collection method: clinical testing. Allele origin: germline.

Mayo Clinic Laboratories, Mayo Clinic
Classification: Benign. Last evaluated: 2018-04-10. Review status: criteria provided, single submitter. Criteria: ACMG Guidelines, 2015. Collection method: clinical testing. Allele origin: germline. Observed: 86 variant alleles.

GeneDx
Classification: Benign. Last evaluated: 2013-10-30. Review status: criteria provided, single submitter. Criteria: GeneDx Variant Classification (06012015). Collection method: clinical testing. Allele origin: germline. Affected: yes.
Comment: This variant is considered likely benign or benign based on one or more of the following criteria: it is a conservative change, it occurs at a poorly conserved position in the protein, it is predicted to be benign by multiple in silico algorithms, and/or has population frequency not consistent with disease.

Breakthrough Genomics
Classification: Benign. Review status: criteria provided, single submitter. Criteria: ACMG Guidelines, 2015. Collection method: not provided. Allele origin: germline. Inheritance: Autosomal dominant inheritance. Affected: yes.

Genetic Services Laboratory, University of Chicago
Classification: Likely benign. Review status: no assertion criteria provided. Collection method: clinical testing. Allele origin: germline. Inheritance: Autosomal recessive inheritance. Not counted in ClinVar's aggregate classification.
Comment: Likely benign based on allele frequency in 1000 Genomes Project or ESP global frequency and its presence in a patient with a rare or unrelated disease phenotype. NOT Sanger confirmed